The following is an entry in ClinVar:

NM_001277062.2(MFF):c.819G>C (p.Met273Ile)

Gene: MFF (mitochondrial fission factor; plus strand). Cytogenetic location: 2q36.3.
Variant type: single nucleotide variant.
Coding change: c.819G>C on transcript NM_001277062.2 (MANE Select); coding-DNA position 819, G replaced by C.
Protein change: p.Met273Ile; replaces methionine 273 with isoleucine.
Molecular consequence: missense variant. On other transcripts: non-coding transcript variant (1).
Genome position (GRCh38, 1-based): chr2:227,357,060, G>C. VCF-style: chr2-227357060-G-C. GRCh37 (hg19) VCF-style: chr2-228221776-G-C.
Other names: c.972G>C, p.Met324Ile (NM_001277061.2, NM_020194.5); c.675G>C, p.Met225Ile (NM_001277063.2); c.660G>C, p.Met220Ile (NM_001277064.2); c.600G>C, p.Met200Ile (NM_001277065.2, NM_001277066.2); c.609G>C, p.Met203Ile (NM_001277067.1); c.702G>C, p.Met234Ile (NM_001277068.1); short protein forms M203I, M220I, M273I, M324I, M225I, M234I, M200I.
Identifiers: ClinVar variation 3708291 (VCV003708291.2).

ClinVar aggregate classification (germline): Uncertain significance (1 of 4 stars; one submission).

gnomAD v4.1: 4 of 1,612,610 alleles (0.00025%); highest among the groups gnomAD compares: African/African-American, 0.004%; no homozygotes.

Submission:

Labcorp Genetics (formerly Invitae), Labcorp
Classification: Uncertain significance. Last evaluated: 2024-06-04. Review status: criteria provided, single submitter. Criteria: Invitae Variant Classification Sherloc (09022015). Collection method: clinical testing. Allele origin: germline.
Comment: This sequence change replaces methionine, which is neutral and non-polar, with isoleucine, which is neutral and non-polar, at codon 324 of the MFF protein (p.Met324Ile). This variant is present in population databases (no rsID available, gnomAD 0.007%). This variant has not been reported in the literature in individuals affected with MFF-related conditions. An algorithm developed to predict the effect of missense changes on protein structure and function (PolyPhen-2) suggests that this variant is likely to be tolerated. In summary, the available evidence is currently insufficient to determine the role of this variant in disease. Therefore, it has been classified as a Variant of Uncertain Significance.